The following is an entry in ClinVar:

NM_014055.4(IFT81):c.1979C>A (p.Thr660Asn)

Gene: IFT81 (intraflagellar transport 81; plus strand). Cytogenetic location: 12q24.11.
Variant type: single nucleotide variant.
Coding change: c.1979C>A on transcript NM_014055.4 (MANE Select); coding-DNA position 1979, C replaced by A.
Protein change: p.Thr660Asn; replaces threonine 660 with asparagine.
Molecular consequence: missense variant. On other transcripts: non-coding transcript variant (4).
Genome position (GRCh38, 1-based): chr12:110,218,174, C>A. VCF-style: chr12-110218174-C-A. GRCh37 (hg19) VCF-style: chr12-110655979-C-A.
Other names: c.1049C>A, p.Thr350Asn (NM_001347948.2, NM_001347947.2); c.1979C>A (NM_014055.3); c.1979C>A, p.Thr660Asn (NM_001143779.2); short protein forms T350N, T660N.
Identifiers: ClinVar variation 1490974 (VCV001490974.8), dbSNP rs1232938811, ClinGen allele CA386911173.

ClinVar aggregate classification (germline): Uncertain significance. Review status: criteria provided, multiple submitters, no conflicts (2 of 4 stars). 2 submissions from 2 submitters: Uncertain significance (2). Last evaluated 2023-07-30.

Conditions:
Inborn genetic diseases. Identifiers: MedGen C0950123, MeSH D030342.

Allele frequency attached by ClinVar (database versions not stated): gnomAD exomes below 0.00001 and 0.00001; TOPMed below 0.00001; gnomAD 0.00001.
gnomAD v4.1: 4 of 1,585,302 alleles (0.00025%); highest among the groups gnomAD compares: Non-Finnish European, 0.00034%; no homozygotes.

Submissions (2):

Ambry Genetics
Classification: Uncertain significance for Inborn genetic diseases. Last evaluated: 2023-07-30. Review status: criteria provided, single submitter. Criteria: Ambry Variant Classification Scheme 2023. Collection method: clinical testing. Allele origin: germline.

Labcorp Genetics (formerly Invitae), Labcorp
Classification: Uncertain significance. Last evaluated: 2022-04-12. Review status: criteria provided, single submitter. Criteria: Invitae Variant Classification Sherloc (09022015). Collection method: clinical testing. Allele origin: germline.
Comment: Algorithms developed to predict the effect of missense changes on protein structure and function output the following: SIFT: "Tolerated"; PolyPhen-2: "Benign"; Align-GVGD: "Class C0". The asparagine amino acid residue is found in multiple mammalian species, which suggests that this missense change does not adversely affect protein function. This variant has not been reported in the literature in individuals affected with IFT81-related conditions. This variant is present in population databases (no rsID available, gnomAD 0.002%). This sequence change replaces threonine, which is neutral and polar, with asparagine, which is neutral and polar, at codon 660 of the IFT81 protein (p.Thr660Asn). In summary, the available evidence is currently insufficient to determine the role of this variant in disease. Therefore, it has been classified as a Variant of Uncertain Significance.